The following is an entry in ClinVar:

NM_000388.4(CASR):c.2545C>G (p.Leu849Val)

Gene: CASR (calcium sensing receptor; plus strand). Cytogenetic location: 3q21.1.
Variant type: single nucleotide variant.
Coding change: c.2545C>G on transcript NM_000388.4 (MANE Select); coding-DNA position 2545, C replaced by G.
Protein change: p.Leu849Val; replaces leucine 849 with valine.
Molecular consequence: missense variant.
Genome position (GRCh38, 1-based): chr3:122,284,499, C>G. VCF-style: chr3-122284499-C-G. GRCh37 (hg19) VCF-style: chr3-122003346-C-G.
Other names: c.2575C>G, p.Leu859Val (NM_001178065.2); short protein forms L849V, L859V.
Identifiers: ClinVar variation 3231544 (VCV003231544.1), dbSNP rs2473280579, ClinGen allele CA354160246.

ClinVar aggregate classification (germline): Uncertain significance (1 of 4 stars; one submission).

Conditions:
Nephrolithiasis/nephrocalcinosis. Identifiers: MedGen CN580796.

Submission:

Ambry Genetics
Classification: Uncertain significance for Nephrolithiasis/nephrocalcinosis. Last evaluated: 2023-07-26. Review status: criteria provided, single submitter. Criteria: Ambry Variant Classification Scheme 2023. Collection method: clinical testing. Allele origin: germline.
Comment: The p.L849V variant (also known as c.2545C>G), located in coding exon 6 of the CASR gene, results from a C to G substitution at nucleotide position 2545. The leucine at codon 849 is replaced by valine, an amino acid with highly similar properties. This amino acid position is conserved. In addition, this alteration is predicted to be deleterious by in silico analysis. Since supporting evidence is limited at this time, the clinical significance of this alteration remains unclear.